The following is an entry in ClinVar:

ClinVar aggregate classification (germline): Uncertain significance. Review status: criteria provided, multiple submitters, no conflicts (2 of 4 stars). 2 submissions from 2 submitters: Uncertain significance (2). Last evaluated 2024-02-15.

Conditions:
Emery-Dreifuss muscular dystrophy 4, autosomal dominant (EDMD4). Also called: EMERY-DREIFUSS MUSCULAR DYSTROPHY 4 WITH VARIABLE FEATURES. Identifiers: Orphanet 261, MedGen C2751807, MONDO:0013071, OMIM 612998.
Autosomal recessive ataxia, Beauce type. Also called: ATAXIA, RECESSIVE, OF BEAUCE; Spinocerebellar ataxia, autosomal recessive 8; SYNE1 Deficiency; SYNE1-Related Autosomal Recessive Cerebellar Ataxia. Identifiers: Orphanet 88644, MedGen C1853116, MONDO:0012549, OMIM 610743.

Allele frequency attached by ClinVar (database versions not stated): ExAC 0.00001; gnomAD exomes 0.00001 and 0.00003; gnomAD 0.00003 and 0.00004; TOPMed 0.00003.
gnomAD v4.1: 45 of 1,613,938 alleles (0.0028%); highest among the groups gnomAD compares: African/African-American, 0.004%; no homozygotes.

Submissions (2):

Blueprint Genetics
Classification: Uncertain significance. Last evaluated: 2024-02-15. Review status: criteria provided, single submitter. Criteria: ACMG Guidelines, 2015. Collection method: clinical testing. Allele origin: germline.

Labcorp Genetics (formerly Invitae), Labcorp
Classification: Uncertain significance for Emery-Dreifuss muscular dystrophy 4, autosomal dominant; Autosomal recessive ataxia, Beauce type. Last evaluated: 2021-12-02. Review status: criteria provided, single submitter. Criteria: Invitae Variant Classification Sherloc (09022015). Collection method: clinical testing. Allele origin: germline.
Comment: In summary, the available evidence is currently insufficient to determine the role of this variant in disease. Therefore, it has been classified as a Variant of Uncertain Significance. Algorithms developed to predict the effect of missense changes on protein structure and function (SIFT, PolyPhen-2, Align-GVGD) all suggest that this variant is likely to be disruptive. This variant has not been reported in the literature in individuals affected with SYNE1-related conditions. This variant is present in population databases (rs745701031, gnomAD 0.008%). This sequence change replaces arginine, which is basic and polar, with glutamine, which is neutral and polar, at codon 4693 of the SYNE1 protein (p.Arg4693Gln).

NM_182961.4(SYNE1):c.14291G>A (p.Arg4764Gln)

Gene: SYNE1 (spectrin repeat containing nuclear envelope protein 1; minus strand). Cytogenetic location: 6q25.2.
Variant type: single nucleotide variant.
Coding change: c.14291G>A on transcript NM_182961.4 (MANE Select); coding-DNA position 14291, G replaced by A.
Protein change: p.Arg4764Gln; replaces arginine 4764 with glutamine.
Molecular consequence: missense variant.
Genome position (GRCh38, 1-based): chr6:152,330,394, C>T on the plus strand (G>A on the coding strand, the complement: SYNE1 is on the minus strand). VCF-style: chr6-152330394-C-T. GRCh37 (hg19) VCF-style: chr6-152651529-C-T.
Other names: c.14078G>A, p.Arg4693Gln (NM_033071.5); short protein forms R4693Q, R4764Q.
Identifiers: ClinVar variation 1446626 (VCV001446626.7), dbSNP rs745701031, ClinGen allele CA4056030.